The following is an entry in ClinVar:

ClinVar aggregate classification (germline): Uncertain significance. Review status: criteria provided, multiple submitters, no conflicts (2 of 4 stars). 2 submissions from 2 submitters: Uncertain significance (2). Last evaluated 2024-09-04.

Conditions:
Mitochondrial complex V (ATP synthase) deficiency, nuclear type 2. Also called: MITOCHONDRIAL COMPLEX V (ATP SYNTHASE) DEFICIENCY, TMEM70 TYPE; ENCEPHALOCARDIOMYOPATHY, MITOCHONDRIAL, NEONATAL, DUE TO ATP SYNTHASE DEFICIENCY; Nuclear-Encoded ATPase Deficiency, TMEM70-Related. Identifiers: Orphanet 1194, MedGen C3279699, MONDO:0013546, OMIM 614052.

Submissions (2):

Blueprint Genetics
Classification: Uncertain significance. Last evaluated: 2024-09-04. Review status: criteria provided, single submitter. Criteria: ACMG Guidelines, 2015. Collection method: clinical testing. Allele origin: germline.

Labcorp Genetics (formerly Invitae), Labcorp
Classification: Uncertain significance for Mitochondrial complex V (ATP synthase) deficiency, nuclear type 2. Last evaluated: 2022-05-27. Review status: criteria provided, single submitter. Criteria: Invitae Variant Classification Sherloc (09022015). Collection method: clinical testing. Allele origin: germline.
Comment: In summary, the available evidence is currently insufficient to determine the role of this variant in disease. Therefore, it has been classified as a Variant of Uncertain Significance. Algorithms developed to predict the effect of missense changes on protein structure and function (SIFT, PolyPhen-2, Align-GVGD) all suggest that this variant is likely to be disruptive. This variant has not been reported in the literature in individuals affected with TMEM70-related conditions. This variant is not present in population databases (gnomAD no frequency). This sequence change replaces tyrosine, which is neutral and polar, with cysteine, which is neutral and slightly polar, at codon 166 of the TMEM70 protein (p.Tyr166Cys).

NM_017866.6(TMEM70):c.497A>G (p.Tyr166Cys)

Gene: TMEM70 (transmembrane protein 70; plus strand). Cytogenetic location: 8q21.11.
Variant type: single nucleotide variant.
Coding change: c.497A>G on transcript NM_017866.6 (MANE Select); coding-DNA position 497, A replaced by G.
Protein change: p.Tyr166Cys; replaces tyrosine 166 with cysteine.
Molecular consequence: missense variant. On other transcripts: 3 prime UTR variant (1), non-coding transcript variant (1).
Genome position (GRCh38, 1-based): chr8:73,981,335, A>G. VCF-style: chr8-73981335-A-G. GRCh37 (hg19) VCF-style: chr8-74893570-A-G.
Other names: c.*187A>G (NM_001040613.3); short protein forms Y166C.
Identifiers: ClinVar variation 1423365 (VCV001423365.7), dbSNP rs1385467886, ClinGen allele CA371490117.